The following is an entry in ClinVar:

NM_000338.3(SLC12A1):c.2296-6G>T

Gene: SLC12A1 (solute carrier family 12 member 1; plus strand). Cytogenetic location: 15q21.1.
Variant type: single nucleotide variant.
Coding change: c.2296-6G>T on transcript NM_000338.3 (MANE Select); 6 bases into the intron before coding-DNA position 2296, G replaced by T.
Molecular consequence: intron variant.
Genome position (GRCh38, 1-based): chr15:48,269,652, G>T. VCF-style: chr15-48269652-G-T. GRCh37 (hg19) VCF-style: chr15-48561849-G-T.
Other names: c.2296-6G>T (NM_001184832.2).
Identifiers: ClinVar variation 316269 (VCV000316269.20), dbSNP rs34047900, ClinGen allele CA7547362.

ClinVar aggregate classification (germline): Benign/Likely benign. Review status: criteria provided, multiple submitters, no conflicts (2 of 4 stars). 6 submissions from 6 submitters: Benign (3); Likely benign (3). Last evaluated 2026-02-02.

Conditions:
Bartter disease type 1. Also called: HYPERPROSTAGLANDIN E SYNDROME 1; Bartter syndrome, type 1, antenatal; Bartter Syndrome type 1; HYPOKALEMIC ALKALOSIS WITH HYPERCALCIURIA 1, ANTENATAL. Identifiers: Orphanet 112, Orphanet 620217, MedGen C1866495, MONDO:0100344, OMIM 601678, MONDO:0011127.

Allele frequency attached by ClinVar (database versions not stated): gnomAD 0.00402 and 0.00478; ESP Exome Variant Server 0.00454; TOPMed 0.00464; gnomAD exomes 0.00586 and 0.00615; ExAC 0.00632; 1000 Genomes Project 30x 0.01140; 1000 Genomes Project 0.01158.
gnomAD v4.1: 9,519 of 1,573,768 alleles (0.6%); highest among the groups gnomAD compares: Middle Eastern, 3.2%; 96 homozygotes.

Submissions (7):

Labcorp Genetics (formerly Invitae), Labcorp
Classification: Benign. Last evaluated: 2026-02-02. Review status: criteria provided, single submitter. Criteria: Invitae Variant Classification Sherloc (09022015). Collection method: clinical testing. Allele origin: germline.

Blueprint Genetics
Classification: Likely benign. Last evaluated: 2024-11-26. Review status: criteria provided, single submitter. Criteria: ACMG Guidelines, 2015. Collection method: clinical testing. Allele origin: germline.

GeneDx
Classification: Likely benign. Last evaluated: 2021-08-23. Review status: criteria provided, single submitter. Criteria: GeneDx Variant Classification Process June 2021. Collection method: clinical testing. Allele origin: germline. Affected: yes.

Athena Diagnostics
Classification: Benign. Last evaluated: 2020-02-03. Review status: criteria provided, single submitter. Criteria: Athena Diagnostics Criteria. Collection method: clinical testing. Allele origin: unknown.

Illumina Laboratory Services, Illumina
Classification: Benign for Bartter disease type 1. Last evaluated: 2018-01-12. Review status: criteria provided, single submitter. Criteria: ICSL Variant Classification Criteria 13 December 2019. Collection method: clinical testing. Allele origin: germline.
Comment: This variant was observed in the ICSL laboratory as part of a predisposition screen in an ostensibly healthy population. It had not been previously curated by ICSL or reported in the Human Gene Mutation Database (HGMD: prior to June 1st, 2018), and was therefore a candidate for classification through an automated scoring system. Utilizing variant allele frequency, disease prevalence and penetrance estimates, and inheritance mode, an automated score was calculated to assess if this variant is too frequent to cause the disease. Based on the score and internal cut-off values, a variant classified as benign is not then subjected to further curation. The score for this variant resulted in a classification of benign for this disease.

Breakthrough Genomics
Classification: Likely benign. Review status: criteria provided, single submitter. Criteria: ACMG Guidelines, 2015. Collection method: not provided. Allele origin: germline. Inheritance: Autosomal recessive inheritance. Affected: yes.

Dr. Peter K. Rogan Lab, Western University
No classification provided (evidence only). Condition: Gastric cancer. Review status: no classification provided. Collection method: in vitro. Allele origin: not applicable. Functional consequence: retained intron. Not counted in ClinVar's aggregate classification.